The following is an entry in ClinVar:

ClinVar aggregate classification (germline): Uncertain significance (1 of 4 stars; one submission).

Conditions:
Naxos disease (NXD). Also called: WOOLLY HAIR, PALMOPLANTAR KERATODERMA, AND CARDIAC ABNORMALITIES; KERATOSIS PALMOPLANTARIS WITH ARRHYTHMOGENIC CARDIOMYOPATHY; MAL DE NAXOS; PALMOPLANTAR KERATODERMA WITH ARRHYTHMOGENIC RIGHT VENTRICULAR CARDIOMYOPATHY AND WOOLLY HAIR; CARDIOMYOPATHY, ARRHYTHMOGENIC RIGHT VENTRICULAR, WITH SKIN, HAIR, AND NAIL ABNORMALITIES. Identifiers: Orphanet 34217, MedGen C1832600, MONDO:0011017, OMIM 601214.
Arrhythmogenic right ventricular dysplasia 12. Also called: ARRHYTHMOGENIC RIGHT VENTRICULAR DYSPLASIA, FAMILIAL, 12. Identifiers: MedGen C1969081, MONDO:0012684, OMIM 611528.

Submission:

Labcorp Genetics (formerly Invitae), Labcorp
Classification: Uncertain significance for Arrhythmogenic right ventricular dysplasia 12; Naxos disease. Last evaluated: 2024-04-05. Review status: criteria provided, single submitter. Criteria: Invitae Variant Classification Sherloc (09022015). Collection method: clinical testing. Allele origin: germline.
Comment: This sequence change replaces threonine, which is neutral and polar, with leucine, which is neutral and non-polar, at codon 289 of the JUP protein (p.Thr289Leu). Information on the frequency of this variant in the gnomAD database is not available, as this variant may be reported differently in the database. This variant has not been reported in the literature in individuals affected with JUP-related conditions. ClinVar contains an entry for this variant (Variation ID: 1024041). An algorithm developed to predict the effect of missense changes on protein structure and function (PolyPhen-2) suggests that this variant is likely to be disruptive. In summary, the available evidence is currently insufficient to determine the role of this variant in disease. Therefore, it has been classified as a Variant of Uncertain Significance.

NM_002230.4(JUP):c.865_866delinsCT (p.Thr289Leu)

Gene: JUP (junction plakoglobin; minus strand). Cytogenetic location: 17q21.2.
Variant type: Indel.
Coding change: c.865_866delinsCT on transcript NM_002230.4 (MANE Select); coding-DNA positions 865 to 866, AC replaced by CT.
Protein change: p.Thr289Leu; replaces threonine 289 with leucine.
Molecular consequence: missense variant.
Genome position (GRCh38, 1-based): chr17:41,767,422-41,767,423, GT replaced by AG on the plus strand (AC replaced by CT on the coding strand, the reverse complement: JUP is on the minus strand). VCF-style: chr17-41767422-GT-AG. GRCh37 (hg19) VCF-style: chr17-39923674-GT-AG.
Other names: c.865_866delinsCT, p.Thr289Leu (NM_001352773.2, NM_001352774.2, NM_001352775.2 and 3 more transcripts); short protein forms T289L.
Identifiers: ClinVar variation 1024041 (VCV001024041.7), dbSNP rs1915905294, ClinGen allele CA2260175144.